The following is an entry in ClinVar:

ClinVar aggregate classification (germline): Likely pathogenic. Review status: criteria provided, multiple submitters, no conflicts (2 of 4 stars). 2 submissions from 2 submitters: Likely pathogenic (2). Last evaluated 2024-10-01.

Conditions:
Leber congenital amaurosis 4 (LCA4). Identifiers: MedGen C1858386, MONDO:0011458, OMIM 604393.
Leber congenital amaurosis (LCA). Also called: Leber's amaurosis. Identifiers: Orphanet 65, MedGen C0339527, MeSH D057130, MONDO:0018998.

Submissions (2):

Lab De Baere, Eye and Developmental Genetics Lab, Ghent University
Classification: Likely pathogenic for Leber congenital amaurosis. Last evaluated: 2024-10-01. Review status: criteria provided, single submitter. Criteria: ACMG Guidelines, 2015. Collection method: research. Allele origin: inherited. Affected: yes. Observed: 1 variant allele.
Comment: ACMG/AMP guidelines: PM2, PP4_PP, PP3, PP1, PM3_PP

Institute of Human Genetics, University of Leipzig Medical Center
Classification: Likely pathogenic for Leber congenital amaurosis 4. Last evaluated: 2024-04-24. Review status: criteria provided, single submitter. Criteria: ACMG Guidelines, 2015. Collection method: clinical testing. Allele origin: unknown. Inheritance: Autosomal recessive inheritance. Affected: yes.
Comment: Criteria applied: PM2,PM1_SUP,PM3_SUP,PP3,PP4

NM_014336.5(AIPL1):c.601T>A (p.Tyr201Asn)

Gene: AIPL1 (AIP like 1 HSP90 co-chaperone; minus strand). Cytogenetic location: 17p13.2.
Variant type: single nucleotide variant.
Coding change: c.601T>A on transcript NM_014336.5 (MANE Select); coding-DNA position 601, T replaced by A.
Protein change: p.Tyr201Asn; replaces tyrosine 201 with asparagine.
Molecular consequence: missense variant.
Genome position (GRCh38, 1-based): chr17:6,426,922, A>T on the plus strand (T>A on the coding strand, the complement: AIPL1 is on the minus strand). VCF-style: chr17-6426922-A-T. GRCh37 (hg19) VCF-style: chr17-6330242-A-T.
Other names: c.601T>A (NM_014336.4); c.412T>A, p.Tyr138Asn (NM_001033054.3); c.421T>A, p.Tyr141Asn (NM_001033055.3); c.565T>A, p.Tyr189Asn (NM_001285399.3); c.535T>A, p.Tyr179Asn (NM_001285400.3); c.601T>A, p.Tyr201Asn (NM_001285401.3); c.484T>A, p.Tyr162Asn (NM_001285402.2); c.577T>A, p.Tyr193Asn (NM_001285403.4); short protein forms Y138N, Y141N, Y162N, Y179N, Y189N, Y193N, Y201N.
Identifiers: ClinVar variation 3358958 (VCV003358958.3).
Genomic context (GRCh38, chr17:6,426,922, plus strand): 5'-CTGGCCAGCGGCCTCTGACCTTGGTCTGCAGGTTCCTTAGGCAGATGATGGCCTCCTGGT[A>T]CTTGGAAGAGGCCTCCTCGTAGCGGCCCAGCTTGAAGAGCCGATTTCCCTCTCCGTGGAG-3'
Protein context (NP_055151.3, residues 191-211): LGRYEEASSK[Tyr201Asn]QEAIICLRNL